The following is an entry in ClinVar:

NM_001008537.3(NEXMIF):c.61A>G (p.Asn21Asp)

Gene: NEXMIF (neurite extension and migration factor; minus strand). Cytogenetic location: Xq13.3.
Variant type: single nucleotide variant.
Coding change: c.61A>G on transcript NM_001008537.3 (MANE Select); coding-DNA position 61, A replaced by G.
Protein change: p.Asn21Asp; replaces asparagine 21 with aspartic acid.
Molecular consequence: missense variant.
Genome position (GRCh38, 1-based): chrX:74,745,590, T>C on the plus strand (A>G on the coding strand, the complement: NEXMIF is on the minus strand). VCF-style: chrX-74745590-T-C. GRCh37 (hg19) VCF-style: chrX-73965425-T-C.
Other names: c.61A>G (NM_001008537.1); short protein forms N21D.
Identifiers: ClinVar variation 572479 (VCV000572479.9), dbSNP rs1364113624, ClinGen allele CA413674522.
Genomic context (GRCh38, chrX:74,745,590, plus strand): 5'-TACCAGGAGAGATATTAATATACTATAATTAAATTCCCTTACCATTTTCTTTGACCCCAT[T>C]AATCAGAGTGTTTTCTCCGTTGGCTGAGGCAACAATAGCCTTATCTTGTTGGTTATCCAT-3'
Protein context (NP_001008537.1, residues 11-31): ASANGENTLI[Asn21Asp]GVKENDSEDQ

ClinVar aggregate classification (germline): Uncertain significance. Review status: criteria provided, multiple submitters, no conflicts (2 of 4 stars). 2 submissions from 2 submitters: Uncertain significance (2). Last evaluated 2025-12-08.

Allele frequency attached by ClinVar (database versions not stated): gnomAD exomes below 0.00001 and 0.00001.
gnomAD v4.1: 1 of 1,195,731 alleles (0.000084%); highest among the groups gnomAD compares: African/African-American, 0.0017%; no homozygotes.

Submissions (2):

Labcorp Genetics (formerly Invitae), Labcorp
Classification: Uncertain significance. Last evaluated: 2025-12-08. Review status: criteria provided, single submitter. Criteria: Invitae Variant Classification Sherloc (09022015). Collection method: clinical testing. Allele origin: germline.
Comment: This sequence change replaces asparagine, which is neutral and polar, with aspartic acid, which is acidic and polar, at codon 21 of the NEXMIF protein (p.Asn21Asp). This variant is present in population databases (no rsID available, gnomAD 0.008%). This variant has not been reported in the literature in individuals affected with NEXMIF-related conditions. ClinVar contains an entry for this variant (Variation ID: 572479). An algorithm developed to predict the effect of missense changes on protein structure and function (PolyPhen-2) suggests that this variant is likely to be tolerated. In summary, the available evidence is currently insufficient to determine the role of this variant in disease. Therefore, it has been classified as a Variant of Uncertain Significance.

GeneDx
Classification: Uncertain significance. Last evaluated: 2023-12-27. Review status: criteria provided, single submitter. Criteria: GeneDx Variant Classification Process June 2021. Collection method: clinical testing. Allele origin: germline. Affected: yes.
Comment: In silico analysis supports that this missense variant does not alter protein structure/function; Has not been previously published as pathogenic or benign to our knowledge